The following is an entry in ClinVar:

ClinVar aggregate classification (germline): Uncertain significance. Review status: criteria provided, multiple submitters, no conflicts (2 of 4 stars). 2 submissions from 2 submitters: Uncertain significance (2). Last evaluated 2022-12-20.

Conditions:
Agammaglobulinemia 8, autosomal dominant (AGM8A). Also called: AGAMMAGLOBULINEMIA 8A, AUTOSOMAL DOMINANT; AGAMMAGLOBULINEMIA, AUTOSOMAL DOMINANT, DUE TO TCF3 DEFECT. Identifiers: MedGen C4310786, MONDO:0014840, OMIM 616941.
Agammaglobulinemia 8b, autosomal recessive. Also called: AGAMMAGLOBULINEMIA, AUTOSOMAL RECESSIVE, DUE TO TCF3 DEFECT. Identifiers: MedGen C5676958, MONDO:0859234, OMIM 619824.

Allele frequency attached by ClinVar (database versions not stated): TOPMed below 0.00001; gnomAD exomes 0.00001; ExAC 0.00003.
gnomAD v4.1: 6 of 1,585,416 alleles (0.00038%); highest among the groups gnomAD compares: Admixed American, 0.0054%; no homozygotes.

Submissions (2):

Labcorp Genetics (formerly Invitae), Labcorp
Classification: Uncertain significance. Last evaluated: 2022-12-20. Review status: criteria provided, single submitter. Criteria: Invitae Variant Classification Sherloc (09022015). Collection method: clinical testing. Allele origin: germline.
Comment: This sequence change falls in intron 11 of the TCF3 gene. It does not directly change the encoded amino acid sequence of the TCF3 protein. It affects a nucleotide within the consensus splice site. This variant is present in population databases (rs774512132, gnomAD 0.01%). This variant has not been reported in the literature in individuals affected with TCF3-related conditions. Variants that disrupt the consensus splice site are a relatively common cause of aberrant splicing (PMID: 17576681, 9536098). Algorithms developed to predict the effect of sequence changes on RNA splicing suggest that this variant may disrupt the consensus splice site. In summary, the available evidence is currently insufficient to determine the role of this variant in disease. Therefore, it has been classified as a Variant of Uncertain Significance.

Department of Pathology and Laboratory Medicine, Sinai Health System
Classification: Uncertain significance for Agammaglobulinemia 8, autosomal dominant; Agammaglobulinemia 8b, autosomal recessive. Last evaluated: 2022-11-30. Review status: criteria provided, single submitter. Criteria: ACMG Guidelines, 2015. Collection method: research. Allele origin: germline.

Literature cited by the submitters: PubMed 17576681 (cited by Labcorp Genetics (formerly Invitae), Labcorp); PubMed 9536098 (cited by Labcorp Genetics (formerly Invitae), Labcorp).

NM_003200.5(TCF3):c.955+3A>G

Gene: TCF3 (transcription factor 3; minus strand). Cytogenetic location: 19p13.3.
Variant type: single nucleotide variant.
Coding change: c.955+3A>G on transcript NM_003200.5 (MANE Select); 3 bases into the intron after coding-DNA position 955, A replaced by G.
Molecular consequence: intron variant.
Genome position (GRCh38, 1-based): chr19:1,621,835, T>C on the plus strand (A>G on the coding strand, the complement: TCF3 is on the minus strand). VCF-style: chr19-1621835-T-C. GRCh37 (hg19) VCF-style: chr19-1621834-T-C.
Other names: c.955+3A>G (NM_001351778.2, NM_001136139.4, NM_001351779.2).
Identifiers: ClinVar variation 2994798 (VCV002994798.4), dbSNP rs774512132, ClinGen allele CA9050152.
Genomic context (GRCh38, chr19:1,621,835, plus strand): 5'-CCCAGACCCTGCCTGGAGCCCAGTGTCCCCTCGGAGAGGCCGCATCCCAGGGAGGGGCCA[T>C]ACCCAGGAGGCTGTCGGCCCCGCTGACAGGCGGCGTGTGGCTGGAGACGCCGCCGTACGT-3'